The following is an entry in ClinVar:

ClinVar aggregate classification (germline): Uncertain significance. Review status: criteria provided, multiple submitters, no conflicts (2 of 4 stars). 2 submissions from 2 submitters: Uncertain significance (2). Last evaluated 2025-04-05.

Allele frequency attached by ClinVar (database versions not stated): ExAC 0.00001.
gnomAD v4.1: 15 of 1,601,216 alleles (0.00094%); highest among the groups gnomAD compares: East Asian, 0.0022%; no homozygotes.

Submissions (2):

Labcorp Genetics (formerly Invitae), Labcorp
Classification: Uncertain significance. Last evaluated: 2025-04-05. Review status: criteria provided, single submitter. Criteria: Invitae Variant Classification Sherloc (09022015). Collection method: clinical testing. Allele origin: germline.
Comment: This sequence change replaces arginine, which is basic and polar, with tryptophan, which is neutral and slightly polar, at codon 1198 of the RERE protein (p.Arg1198Trp). The frequency data for this variant in the population databases is considered unreliable, as metrics indicate poor data quality at this position in the gnomAD database. This variant has not been reported in the literature in individuals affected with RERE-related conditions. ClinVar contains an entry for this variant (Variation ID: 2429412). Invitae Evidence Modeling of protein sequence and biophysical properties (such as structural, functional, and spatial information, amino acid conservation, physicochemical variation, residue mobility, and thermodynamic stability) has been performed for this missense variant. However, the output from this modeling did not meet the statistical confidence thresholds required to predict the impact of this variant on RERE protein function. In summary, the available evidence is currently insufficient to determine the role of this variant in disease. Therefore, it has been classified as a Variant of Uncertain Significance.

Illumina Laboratory Services, Illumina
Classification: Uncertain significance. Last evaluated: 2022-09-15. Review status: criteria provided, single submitter. Criteria: ICSL CNVClassificationCriteria Aug2020. Collection method: clinical testing. Allele origin: unknown. Affected: yes.
Comment: The RERE c.3592C>T (p.Arg1198Trp) missense variant results in the substitution of arginine at amino acid position 1198 with tryptophan. To our knowledge, this variant has not been reported in the peer-reviewed literature. This variant is reported in the Genome Aggregation Database in three alleles at a frequency of 0.000013 in the Total population (version 2.1.1). Based on the available evidence, the c.3592C>T (p.Arg1198Trp) variant is classified as a variant of uncertain significance for neurodevelopmental disorder with or without anomalies of the brain, eye, or heart.

NM_001042681.2(RERE):c.3592C>T (p.Arg1198Trp)

Gene: RERE (arginine-glutamic acid dipeptide repeats; minus strand). Cytogenetic location: 1p36.23.
Variant type: single nucleotide variant.
Coding change: c.3592C>T on transcript NM_001042681.2 (MANE Select); coding-DNA position 3592, C replaced by T.
Protein change: p.Arg1198Trp; replaces arginine 1198 with tryptophan.
Molecular consequence: missense variant.
Genome position (GRCh38, 1-based): chr1:8,359,790, G>A on the plus strand (C>T on the coding strand, the complement: RERE is on the minus strand). VCF-style: chr1-8359790-G-A. GRCh37 (hg19) VCF-style: chr1-8419850-G-A.
Other names: c.1930C>T, p.Arg644Trp (NM_001042682.2); c.3592C>T, p.Arg1198Trp (NM_012102.4); short protein forms R1198W, R644W.
Identifiers: ClinVar variation 2429412 (VCV002429412.4), dbSNP rs778594494, ClinGen allele CA571093.